The following is an entry in ClinVar:

NM_004655.4(AXIN2):c.664T>G (p.Cys222Gly)

Gene: AXIN2 (axin 2; minus strand). Cytogenetic location: 17q24.1.
Variant type: single nucleotide variant.
Coding change: c.664T>G on transcript NM_004655.4 (MANE Select); coding-DNA position 664, T replaced by G.
Protein change: p.Cys222Gly; replaces cysteine 222 with glycine.
Molecular consequence: missense variant.
Genome position (GRCh38, 1-based): chr17:65,557,957, A>C on the plus strand (T>G on the coding strand, the complement: AXIN2 is on the minus strand). VCF-style: chr17-65557957-A-C. GRCh37 (hg19) VCF-style: chr17-63554075-A-C.
Other names: c.664T>G, p.Cys222Gly (NM_001363813.1); short protein forms C222G.
Identifiers: ClinVar variation 4843053 (VCV004843053.1).

ClinVar aggregate classification (germline): Uncertain significance (1 of 4 stars; one submission).

Conditions:
Hereditary cancer-predisposing syndrome. Also called: Neoplastic Syndromes, Hereditary; Tumor predisposition; Hereditary Cancer Syndrome; Hereditary neoplastic syndrome. Identifiers: Orphanet 140162, MedGen C0027672, MeSH D009386, MONDO:0015356.

Submission:

Ambry Genetics
Classification: Uncertain significance for Hereditary cancer-predisposing syndrome. Last evaluated: 2025-12-21. Review status: criteria provided, single submitter. Criteria: Ambry Variant Classification Scheme 2023. Collection method: clinical testing. Allele origin: germline.
Comment: The p.C222G variant (also known as c.664T>G), located in coding exon 1 of the AXIN2 gene, results from a T to G substitution at nucleotide position 664. The cysteine at codon 222 is replaced by glycine, an amino acid with highly dissimilar properties. This amino acid position is conserved. In addition, this alteration is predicted to be deleterious by in silico analysis. Based on the available evidence, the clinical significance of this variant remains unclear.